The following is an entry in ClinVar:

NM_003126.4(SPTA1):c.1771T>C (p.Ser591Pro)

Gene: SPTA1 (spectrin alpha, erythrocytic 1; minus strand). Cytogenetic location: 1q23.1.
Variant type: single nucleotide variant.
Coding change: c.1771T>C on transcript NM_003126.4 (MANE Select); coding-DNA position 1771, T replaced by C.
Protein change: p.Ser591Pro; replaces serine 591 with proline.
Molecular consequence: missense variant.
Genome position (GRCh38, 1-based): chr1:158,669,470, A>G on the plus strand (T>C on the coding strand, the complement: SPTA1 is on the minus strand). VCF-style: chr1-158669470-A-G. GRCh37 (hg19) VCF-style: chr1-158639260-A-G.
Other names: short protein forms S591P.
Identifiers: ClinVar variation 4080248 (VCV004080248.2).

ClinVar aggregate classification (germline): Uncertain significance. Review status: criteria provided, multiple submitters, no conflicts (2 of 4 stars). 2 submissions from 2 submitters: Uncertain significance (2). Last evaluated 2025-12-15.

Submissions (2):

Labcorp Genetics (formerly Invitae), Labcorp
Classification: Uncertain significance. Last evaluated: 2025-12-15. Review status: criteria provided, single submitter. Criteria: Invitae Variant Classification Sherloc (09022015). Collection method: clinical testing. Allele origin: germline.
Comment: This sequence change replaces serine, which is neutral and polar, with proline, which is neutral and non-polar, at codon 591 of the SPTA1 protein (p.Ser591Pro). This variant is not present in population databases (gnomAD no frequency). This variant has not been reported in the literature in individuals affected with SPTA1-related conditions. ClinVar contains an entry for this variant (Variation ID: 4080248). Invitae Evidence Modeling of protein sequence and biophysical properties (such as structural, functional, and spatial information, amino acid conservation, physicochemical variation, residue mobility, and thermodynamic stability) indicates that this missense variant is not expected to disrupt SPTA1 protein function with a negative predictive value of 80%. In summary, the available evidence is currently insufficient to determine the role of this variant in disease. Therefore, it has been classified as a Variant of Uncertain Significance.

Revvity Omics, Revvity
Classification: Uncertain significance. Last evaluated: 2023-08-31. Review status: criteria provided, single submitter. Criteria: ACMG Guidelines, 2015. Collection method: clinical testing. Allele origin: germline.